The following is an entry in ClinVar:

NM_001329943.3(KIAA0586):c.1143A>G (p.Leu381=)

Gene: KIAA0586 (KIAA0586; plus strand). Cytogenetic location: 14q23.1.
Variant type: single nucleotide variant.
Coding change: c.1143A>G on transcript NM_001329943.3 (MANE Select); coding-DNA position 1143, A replaced by G.
Protein change: p.Leu381=; no amino-acid change (leucine 381 retained).
Molecular consequence: synonymous variant.
Genome position (GRCh38, 1-based): chr14:58,453,363, A>G. VCF-style: chr14-58453363-A-G. GRCh37 (hg19) VCF-style: chr14-58920081-A-G.
Other names: c.1302A>G, p.Leu434= (NM_001244189.2); c.1098A>G, p.Leu366= (NM_001244190.2); c.888A>G, p.Leu296= (NM_001244191.2, NM_001329945.2, NM_001364700.1 and 1 more transcripts); c.1011A>G, p.Leu337= (NM_001244192.2); c.723A>G, p.Leu241= (NM_001244193.2); c.1143A>G, p.Leu381= (NM_001329944.2, NM_001329946.2, NM_001329947.2 and 1 more transcripts).
Identifiers: ClinVar variation 1585378 (VCV001585378.13), dbSNP rs370408761, ClinGen allele CA7205575.
Genomic context (GRCh38, chr14:58,453,363, plus strand): 5'-AAATGAATTAGTATTTGGAAAATGATACTATATCTCTTCTATTTCAGGAAATGTAAGACT[A>G]TTGGAACAAATTTTGAATAATAATGATTCTTTGACAAGAAAAAGTGAATCATCAAACACC-3'
Protein context (NP_001316872.1, residues 371-391): EVSCHRGNVR[Leu381=]LEQILNNNDS

ClinVar aggregate classification (germline): Likely benign. Review status: criteria provided, multiple submitters, no conflicts (2 of 4 stars). 3 submissions from 3 submitters: Likely benign (3). Last evaluated 2026-01-01.

Conditions:
Short-rib thoracic dysplasia 14 with polydactyly (SRTD14). Identifiers: Orphanet 397715, MedGen C4225286, MONDO:0014688, OMIM 616546.
Joubert syndrome 23 (JBTS23). Identifiers: Orphanet 475, MedGen C4084822, MONDO:0014664, OMIM 616490.

Allele frequency attached by ClinVar (database versions not stated): gnomAD exomes 0.00008 and 0.00026; TOPMed 0.00014; gnomAD 0.00015 and 0.00016; ESP Exome Variant Server 0.00043.
gnomAD v4.1: 335 of 1,346,868 alleles (0.025%); highest among the groups gnomAD compares: Non-Finnish European, 0.032%; no homozygotes.

Submissions (3):

CeGaT Center for Human Genetics Tuebingen
Classification: Likely benign. Last evaluated: 2026-01-01. Review status: criteria provided, single submitter. Criteria: CeGaT Center For Human Genetics Tuebingen Variant Classification Criteria Version 2. Collection method: clinical testing. Allele origin: germline. Affected: yes. Observed: 1 variant allele.
Comment: KIAA0586: BP4, BP7

Labcorp Genetics (formerly Invitae), Labcorp
Classification: Likely benign for Joubert syndrome 23; Short-rib thoracic dysplasia 14 with polydactyly. Last evaluated: 2025-12-30. Review status: criteria provided, single submitter. Criteria: Invitae Variant Classification Sherloc (09022015). Collection method: clinical testing. Allele origin: germline.

Blueprint Genetics
Classification: Likely benign. Last evaluated: 2024-06-10. Review status: criteria provided, single submitter. Criteria: ACMG Guidelines, 2015. Collection method: clinical testing. Allele origin: germline.